The following is an entry in ClinVar:

NM_004364.5(CEBPA):c.275A>C (p.Lys92Thr)

Gene: CEBPA (CCAAT enhancer binding protein alpha; minus strand). Cytogenetic location: 19q13.11.
Variant type: single nucleotide variant.
Coding change: c.275A>C on transcript NM_004364.5 (MANE Select); coding-DNA position 275, A replaced by C.
Protein change: p.Lys92Thr; replaces lysine 92 with threonine.
Molecular consequence: missense variant. On other transcripts: 5 prime UTR variant (1).
Genome position (GRCh38, 1-based): chr19:33,302,140, T>G on the plus strand (A>C on the coding strand, the complement: CEBPA is on the minus strand). VCF-style: chr19-33302140-T-G. GRCh37 (hg19) VCF-style: chr19-33793046-T-G.
Other names: c.-83A>C (NM_001285829.2); c.380A>C, p.Lys127Thr (NM_001287424.2); c.233A>C, p.Lys78Thr (NM_001287435.2); short protein forms K78T, K127T, K92T.
Identifiers: ClinVar variation 4611464 (VCV004611464.1).

ClinVar aggregate classification (germline): Uncertain significance (1 of 4 stars; one submission).

Conditions:
Inborn genetic diseases. Identifiers: MedGen C0950123, MeSH D030342.

Submission:

Ambry Genetics
Classification: Uncertain significance for Inborn genetic diseases. Last evaluated: 2025-11-25. Review status: criteria provided, single submitter. Criteria: Ambry Variant Classification Scheme 2023. Collection method: clinical testing. Allele origin: germline.
Comment: The p.K92T variant (also known as c.275A>C), located in coding exon 1 of the CEBPA gene, results from an A to C substitution at nucleotide position 275. The lysine at codon 92 is replaced by threonine, an amino acid with similar properties. This amino acid position is conserved. In addition, this alteration is predicted to be tolerated by in silico analysis. Based on the available evidence, the clinical significance of this variant remains unclear.